The following is an entry in ClinVar:

NM_001012614.2(CTBP1):c.162+339T>G

Gene: CTBP1 (C-terminal binding protein 1; minus strand). Cytogenetic location: 4p16.3.
Variant type: single nucleotide variant.
Coding change: c.162+339T>G on transcript NM_001012614.2 (MANE Select); 339 bases into the intron after coding-DNA position 162, T replaced by G.
Molecular consequence: intron variant.
Genome position (GRCh38, 1-based): chr4:1,237,844, A>C on the plus strand (T>G on the coding strand, the complement: CTBP1 is on the minus strand). VCF-style: chr4-1237844-A-C. GRCh37 (hg19) VCF-style: chr4-1231632-A-C.
Other names: c.162+339T>G (NM_001377192.1, NM_001377189.1, NM_001377193.1 and 4 more transcripts); c.195+339T>G (NM_001328.3, NM_001377186.1).
Identifiers: ClinVar variation 2654554 (VCV002654554.24), dbSNP rs776860858, ClinGen allele CA2804495.

ClinVar aggregate classification (germline): Likely benign (1 of 4 stars; one submission).

Allele frequency attached by ClinVar (database versions not stated): ExAC 0.00008.

Submission:

CeGaT Center for Human Genetics Tuebingen
Classification: Likely benign. Last evaluated: 2023-08-01. Review status: criteria provided, single submitter. Criteria: CeGaT Center For Human Genetics Tuebingen Variant Classification Criteria Version 2. Collection method: clinical testing. Allele origin: germline. Affected: yes. Observed: 1 variant allele.
Comment: CTBP1: PP2, BP4, BS1